The following is an entry in ClinVar:

ClinVar aggregate classification (germline): Uncertain significance. Review status: criteria provided, multiple submitters, no conflicts (2 of 4 stars). 2 submissions from 2 submitters: Uncertain significance (2). Last evaluated 2024-02-17.

Conditions:
Inborn genetic diseases. Identifiers: MedGen C0950123, MeSH D030342.

Allele frequency attached by ClinVar (database versions not stated): gnomAD exomes below 0.00001; gnomAD 0.00001; TOPMed 0.00001; ExAC 0.00002; ESP Exome Variant Server 0.00008.
gnomAD v4.1: 6 of 1,613,850 alleles (0.00037%); highest among the groups gnomAD compares: Admixed American, 0.0017%; no homozygotes.

Submissions (2):

Labcorp Genetics (formerly Invitae), Labcorp
Classification: Uncertain significance. Last evaluated: 2024-02-17. Review status: criteria provided, single submitter. Criteria: Invitae Variant Classification Sherloc (09022015). Collection method: clinical testing. Allele origin: germline.
Comment: This sequence change replaces proline, which is neutral and non-polar, with leucine, which is neutral and non-polar, at codon 2162 of the FAT1 protein (p.Pro2162Leu). This variant is present in population databases (rs374238457, gnomAD 0.003%). This variant has not been reported in the literature in individuals affected with FAT1-related conditions. ClinVar contains an entry for this variant (Variation ID: 1991993). Advanced modeling of protein sequence and biophysical properties (such as structural, functional, and spatial information, amino acid conservation, physicochemical variation, residue mobility, and thermodynamic stability) performed at Invitae indicates that this missense variant is not expected to disrupt FAT1 protein function with a negative predictive value of 80%. In summary, the available evidence is currently insufficient to determine the role of this variant in disease. Therefore, it has been classified as a Variant of Uncertain Significance.

Ambry Genetics
Classification: Uncertain significance for Inborn genetic diseases. Last evaluated: 2023-12-18. Review status: criteria provided, single submitter. Criteria: Ambry Variant Classification Scheme 2023. Collection method: clinical testing. Allele origin: germline.

NM_005245.4(FAT1):c.6485C>T (p.Pro2162Leu)

Gene: FAT1 (FAT atypical cadherin 1; minus strand). Cytogenetic location: 4q35.2.
Variant type: single nucleotide variant.
Coding change: c.6485C>T on transcript NM_005245.4 (MANE Select); coding-DNA position 6485, C replaced by T.
Protein change: p.Pro2162Leu; replaces proline 2162 with leucine.
Molecular consequence: missense variant.
Genome position (GRCh38, 1-based): chr4:186,620,101, G>A on the plus strand (C>T on the coding strand, the complement: FAT1 is on the minus strand). VCF-style: chr4-186620101-G-A. GRCh37 (hg19) VCF-style: chr4-187541255-G-A.
Other names: c.6485C>T (NM_005245.3); short protein forms P2162L.
Identifiers: ClinVar variation 1991993 (VCV001991993.5), dbSNP rs374238457, ClinGen allele CA3166242.